The following is an entry in ClinVar:

ClinVar aggregate classification (germline): Uncertain significance (1 of 4 stars; one submission).

Conditions:
Myopathy, proximal, and ophthalmoplegia (CMYO6). Also called: MYOPATHY WITH CONGENITAL JOINT CONTRACTURES, OPHTHALMOPLEGIA, AND RIMMED VACUOLES; INCLUSION BODY MYOPATHY 3, AUTOSOMAL DOMINANT; CONGENITAL MYOPATHY 6 WITH OPHTHALMOPLEGIA. Identifiers: Orphanet 363677, Orphanet 79091, MedGen C1854106, MONDO:0011577, OMIM 605637.

Submission:

Labcorp Genetics (formerly Invitae), Labcorp
Classification: Uncertain significance for Myopathy, proximal, and ophthalmoplegia. Last evaluated: 2025-08-08. Review status: criteria provided, single submitter. Criteria: Invitae Variant Classification Sherloc (09022015). Collection method: clinical testing. Allele origin: germline.
Comment: This sequence change replaces histidine, which is basic and polar, with tyrosine, which is neutral and polar, at codon 154 of the MYH2 protein (p.His154Tyr). This variant is present in population databases (rs746181156, gnomAD 0.008%). This variant has not been reported in the literature in individuals affected with MYH2-related conditions. Invitae Evidence Modeling of protein sequence and biophysical properties (such as structural, functional, and spatial information, amino acid conservation, physicochemical variation, residue mobility, and thermodynamic stability) indicates that this missense variant is expected to disrupt MYH2 protein function with a positive predictive value of 80%. In summary, the available evidence is currently insufficient to determine the role of this variant in disease. Therefore, it has been classified as a Variant of Uncertain Significance.

NM_017534.6(MYH2):c.460C>T (p.His154Tyr)

Genes: MYH2 (myosin heavy chain 2; minus strand), MYHAS (myosin heavy chain gene cluster antisense RNA; plus strand). Cytogenetic location: 17p13.1.
Variant type: single nucleotide variant.
Coding change: c.460C>T on transcript NM_017534.6 (MANE Select); coding-DNA position 460, C replaced by T.
Protein change: p.His154Tyr; replaces histidine 154 with tyrosine.
Molecular consequence: missense variant.
Genome position (GRCh38, 1-based): chr17:10,545,391, G>A on the plus strand (C>T on the coding strand, the complement: MYH2 is on the minus strand). VCF-style: chr17-10545391-G-A. GRCh37 (hg19) VCF-style: chr17-10448708-G-A.
Other names: c.460C>T, p.His154Tyr (NM_001100112.2); short protein forms H154Y.
Identifiers: ClinVar variation 4811348 (VCV004811348.1).